The following is an entry in ClinVar:

ClinVar aggregate classification (germline): Benign/Likely benign. Review status: criteria provided, multiple submitters, no conflicts (2 of 4 stars). 11 submissions from 11 submitters: Benign (1); Likely benign (8). 2 of the submissions do not count toward it. Last evaluated 2025-11-30.

Conditions:
MSH6-related disorder. Also called: MSH6-related condition; MSH6-Related disorders.
Hereditary nonpolyposis colorectal neoplasms. Identifiers: MedGen C0009405, MeSH D003123.
Hereditary cancer-predisposing syndrome. Also called: Tumor predisposition; Hereditary Cancer Syndrome; Hereditary neoplastic syndrome; Neoplastic Syndromes, Hereditary. Identifiers: Orphanet 140162, MedGen C0027672, MeSH D009386, MONDO:0015356.
Lynch syndrome. Identifiers: Orphanet 144, MedGen C4552100, MONDO:0005835. Disease mechanism: loss of function.
Lynch syndrome 5 (LYNCH5). Also called: Colorectal cancer, hereditary nonpolyposis, type 5; Hereditary non-polyposis colorectal cancer, type 5. Identifiers: Orphanet 144, MedGen C1833477, MONDO:0013710, OMIM 614350. Disease mechanism: loss of function.

Allele frequency attached by ClinVar (database versions not stated): TOPMed 0.00001; gnomAD 0.00002; gnomAD exomes 0.00002; ExAC 0.00003.
gnomAD v4.1: 39 of 1,612,842 alleles (0.0024%); highest among the groups gnomAD compares: Non-Finnish European, 0.0029%; no homozygotes.

Submissions (11):

Labcorp Genetics (formerly Invitae), Labcorp
Classification: Likely benign for Hereditary nonpolyposis colorectal neoplasms. Last evaluated: 2025-11-30. Review status: criteria provided, single submitter. Criteria: Invitae Variant Classification Sherloc (09022015). Collection method: clinical testing. Allele origin: germline.

All of Us Research Program, National Institutes of Health
Classification: Likely benign for Lynch syndrome. Last evaluated: 2023-12-18. Review status: criteria provided, single submitter. Criteria: ACMG Guidelines, 2015. Collection method: clinical testing. Allele origin: germline. Inheritance: Autosomal dominant inheritance. Observed: 9 variant alleles, 9 heterozygotes.
Comment: This study involves interpretation of variants in research participants for the purpose of population health screening. Participant phenotype was not available at the time of variant classification. Additional details can be found in publication PMID: 35346344, PMCID: PMC8962531

Quest Diagnostics Nichols Institute San Juan Capistrano
Classification: Likely benign. Last evaluated: 2023-05-22. Review status: criteria provided, single submitter. Criteria: Quest Diagnostics criteria. Collection method: clinical testing. Allele origin: unknown.

Myriad Genetics, Inc.
Classification: Benign for Lynch syndrome 5. Last evaluated: 2023-03-28. Review status: criteria provided, single submitter. Criteria: Myriad Autosomal Dominant, Autosomal Recessive and X-Linked Classification Criteria (2023). Collection method: clinical testing. Allele origin: unknown.
Comment: This variant is considered benign. This variant is a silent/synonymous amino acid change and it is not expected to impact splicing.

Women's Health and Genetics/Laboratory Corporation of America, LabCorp
Classification: Likely benign. Last evaluated: 2022-12-02. Review status: criteria provided, single submitter. Criteria: LabCorp Variant Classification Summary - May 2015. Collection method: clinical testing. Allele origin: germline.

Sema4
Classification: Likely benign for Hereditary cancer-predisposing syndrome. Last evaluated: 2021-10-14. Review status: criteria provided, single submitter. Criteria: Sema4 Curation Guidelines. Collection method: curation. Allele origin: germline.

GeneDx
Classification: Likely benign. Last evaluated: 2020-01-02. Review status: criteria provided, single submitter. Criteria: GeneDx Variant Classification Process June 2021. Collection method: clinical testing. Allele origin: germline. Affected: yes.

Color Diagnostics, LLC DBA Color Health
Classification: Likely benign for Hereditary cancer-predisposing syndrome. Last evaluated: 2015-04-25. Review status: criteria provided, single submitter. Criteria: ACMG Guidelines, 2015. Collection method: clinical testing. Allele origin: germline.

Ambry Genetics
Classification: Likely benign for Hereditary cancer-predisposing syndrome. Last evaluated: 2014-10-22. Review status: criteria provided, single submitter. Criteria: Ambry Variant Classification Scheme 2023. Collection method: clinical testing. Allele origin: germline.

PreventionGenetics, part of Exact Sciences
Classification: Likely benign for MSH6-related condition. Last evaluated: 2019-09-05. Review status: no assertion criteria provided. Collection method: clinical testing. Allele origin: germline. Not counted in ClinVar's aggregate classification.
Comment: This variant is classified as likely benign based on ACMG/AMP sequence variant interpretation guidelines (Richards et al. 2015 PMID: 25741868, with internal and published modifications).

Counsyl
Classification: Likely benign for Lynch syndrome 5. Last evaluated: 2016-03-17. Review status: no assertion criteria provided. Collection method: clinical testing. Allele origin: unknown. Not counted in ClinVar's aggregate classification.

NM_000179.3(MSH6):c.2508C>T (p.Asn836=)

Gene: MSH6 (mutS homolog 6; plus strand). Cytogenetic location: 2p16.3.
Variant type: single nucleotide variant.
Coding change: c.2508C>T on transcript NM_000179.3 (MANE Select); coding-DNA position 2508, C replaced by T.
Protein change: p.Asn836=; no amino-acid change (asparagine 836 retained).
Molecular consequence: synonymous variant.
Genome position (GRCh38, 1-based): chr2:47,800,491, C>T. VCF-style: chr2-47800491-C-T. GRCh37 (hg19) VCF-style: chr2-48027630-C-T.
Other names: c.2118C>T, p.Asn706= (NM_001281492.2); c.1602C>T, p.Asn534= (NM_001281493.2, NM_001281494.2).
Identifiers: ClinVar variation 183929 (VCV000183929.28), dbSNP rs758170249, ClinGen allele CA010322.